The following is an entry in ClinVar:

NM_001349884.2(DRAM2):c.16C>G (p.Gln6Glu)

Gene: DRAM2 (DNA damage regulated autophagy modulator 2; minus strand). Cytogenetic location: 1p13.3.
Variant type: single nucleotide variant.
Coding change: c.16C>G on transcript NM_001349884.2 (MANE Select); coding-DNA position 16, C replaced by G.
Protein change: p.Gln6Glu; replaces glutamine 6 with glutamic acid.
Molecular consequence: missense variant. On other transcripts: 5 prime UTR variant (8), non-coding transcript variant (8).
Genome position (GRCh38, 1-based): chr1:111,131,539, G>C on the plus strand (C>G on the coding strand, the complement: DRAM2 is on the minus strand). VCF-style: chr1-111131539-G-C. GRCh37 (hg19) VCF-style: chr1-111674161-G-C.
Other names: c.16C>G, p.Gln6Glu (NM_001349881.2, NM_001349882.2, NM_001349885.2 and 1 more transcripts); c.-143C>G (NM_001349886.2, NM_001349887.2, NM_001349888.2); c.-235C>G (NM_001349889.2, NM_001349890.2, NM_001349892.2 and 1 more transcripts); c.-403C>G (NM_001349891.2); short protein forms Q6E.
Identifiers: ClinVar variation 1908616 (VCV001908616.3), dbSNP rs1397721071, ClinGen allele CA341819843.

ClinVar aggregate classification (germline): Uncertain significance (1 of 4 stars; one submission).

Allele frequency attached by ClinVar (database versions not stated): gnomAD 0.00001; TOPMed 0.00001.
gnomAD v4.1: 1 of 1,613,794 alleles (0.000062%); highest among the groups gnomAD compares: African/African-American, 0.0013%; no homozygotes.

Submission:

Labcorp Genetics (formerly Invitae), Labcorp
Classification: Uncertain significance. Last evaluated: 2022-05-27. Review status: criteria provided, single submitter. Criteria: Invitae Variant Classification Sherloc (09022015). Collection method: clinical testing. Allele origin: germline.
Comment: This variant has not been reported in the literature in individuals affected with DRAM2-related conditions. Algorithms developed to predict the effect of missense changes on protein structure and function (SIFT, PolyPhen-2, Align-GVGD) all suggest that this variant is likely to be tolerated. This variant is not present in population databases (gnomAD no frequency). This sequence change replaces glutamine, which is neutral and polar, with glutamic acid, which is acidic and polar, at codon 6 of the DRAM2 protein (p.Gln6Glu). In summary, the available evidence is currently insufficient to determine the role of this variant in disease. Therefore, it has been classified as a Variant of Uncertain Significance.